The following is an entry in ClinVar:

NM_001244710.2(GFPT1):c.*2907C>T

Gene: GFPT1 (glutamine--fructose-6-phosphate transaminase 1; minus strand). Cytogenetic location: 2p13.3.
Variant type: single nucleotide variant.
Coding change: c.*2907C>T on transcript NM_001244710.2 (MANE Select); 2907 bases downstream of the stop codon, C replaced by T.
Molecular consequence: 3 prime UTR variant.
Genome position (GRCh38, 1-based): chr2:69,323,282, G>A on the plus strand (C>T on the coding strand, the complement: GFPT1 is on the minus strand). VCF-style: chr2-69323282-G-A. GRCh37 (hg19) VCF-style: chr2-69550414-G-A.
Other names: c.*2907C>T (NM_002056.4).
Identifiers: ClinVar variation 894913 (VCV000894913.4), dbSNP rs7568674, ClinGen allele CA49442323.
Genomic context (GRCh38, chr2:69,323,282, plus strand): 5'-GCTCAAAGGAACTCTCAGTTATACATGAGTGAATTAAAACTTTAAATGTACTACAAGAAA[G>A]AACTTTTTATATGAAGGATTCTTTATGTAGAGTATCTTTTTTGAAAAATCAGATTTTCTT-3'

ClinVar aggregate classification (germline): Benign (1 of 4 stars; one submission).

Conditions:
Congenital myasthenic syndrome 12 (CMS12). Also called: Myasthenia, congenital, 12, with tubular aggregates; MYASTHENIC SYNDROME, CONGENITAL, WITH TUBULAR AGGREGATES 1. Identifiers: Orphanet 353327, Orphanet 590, MedGen C3552335, MONDO:0012518, OMIM 610542.

Allele frequency attached by ClinVar (database versions not stated): TOPMed 0.00626; 1000 Genomes Project 30x 0.00796; 1000 Genomes Project 0.00839.

Submission:

Illumina Laboratory Services, Illumina
Classification: Benign for Congenital myasthenic syndrome 12. Last evaluated: 2018-01-13. Review status: criteria provided, single submitter. Criteria: ICSL Variant Classification Criteria 13 December 2019. Collection method: clinical testing. Allele origin: germline.
Comment: This variant was observed in the ICSL laboratory as part of a predisposition screen in an ostensibly healthy population. It had not been previously curated by ICSL or reported in the Human Gene Mutation Database (HGMD: prior to June 1st, 2018), and was therefore a candidate for classification through an automated scoring system. Utilizing variant allele frequency, disease prevalence and penetrance estimates, and inheritance mode, an automated score was calculated to assess if this variant is too frequent to cause the disease. Based on the score and internal cut-off values, a variant classified as benign is not then subjected to further curation. The score for this variant resulted in a classification of benign for this disease.